The following is an entry in ClinVar:

ClinVar aggregate classification (germline): Uncertain significance (1 of 4 stars; one submission).

Conditions:
Emery-Dreifuss muscular dystrophy 5, autosomal dominant (EDMD5). Also called: EMERY-DREIFUSS MUSCULAR DYSTROPHY 5. Identifiers: Orphanet 261, MedGen C2751805, MONDO:0013072, OMIM 612999.

Allele frequency attached by ClinVar (database versions not stated): gnomAD exomes 0.00001 and 0.00006; gnomAD 0.00006; TOPMed 0.00006; ESP Exome Variant Server 0.00008; ExAC 0.00011.
gnomAD v4.1: 19 of 1,613,302 alleles (0.0012%); highest among the groups gnomAD compares: African/African-American, 0.015%; 1 homozygote.

Submission:

Labcorp Genetics (formerly Invitae), Labcorp
Classification: Uncertain significance for Emery-Dreifuss muscular dystrophy 5, autosomal dominant. Last evaluated: 2023-08-24. Review status: criteria provided, single submitter. Criteria: Invitae Variant Classification Sherloc (09022015). Collection method: clinical testing. Allele origin: germline.
Comment: In summary, the available evidence is currently insufficient to determine the role of this variant in disease. Therefore, it has been classified as a Variant of Uncertain Significance. An algorithm developed to predict the effect of missense changes on protein structure and function (PolyPhen-2) suggests that this variant is likely to be disruptive. ClinVar contains an entry for this variant (Variation ID: 1500953). This variant has not been reported in the literature in individuals affected with SYNE2-related conditions. This variant is present in population databases (rs367811181, gnomAD 0.03%). This sequence change replaces glutamic acid, which is acidic and polar, with valine, which is neutral and non-polar, at codon 2453 of the SYNE2 protein (p.Glu2453Val).

NM_182914.3(SYNE2):c.7358A>T (p.Glu2453Val)

Gene: SYNE2 (spectrin repeat containing nuclear envelope protein 2; plus strand). Cytogenetic location: 14q23.2.
Variant type: single nucleotide variant.
Coding change: c.7358A>T on transcript NM_182914.3 (MANE Select); coding-DNA position 7358, A replaced by T.
Protein change: p.Glu2453Val; replaces glutamic acid 2453 with valine.
Molecular consequence: missense variant.
Genome position (GRCh38, 1-based): chr14:64,048,136, A>T. VCF-style: chr14-64048136-A-T. GRCh37 (hg19) VCF-style: chr14-64514854-A-T.
Other names: c.7358A>T, p.Glu2453Val (NM_015180.6); short protein forms E2453V.
Identifiers: ClinVar variation 1500953 (VCV001500953.8), dbSNP rs367811181, ClinGen allele CA7220902.